The following is an entry in ClinVar:

NM_006767.4(LZTR1):c.1421T>C (p.Ile474Thr)

Gene: LZTR1 (leucine zipper like post translational regulator 1; plus strand). Cytogenetic location: 22q11.21.
Variant type: single nucleotide variant.
Coding change: c.1421T>C on transcript NM_006767.4 (MANE Select); coding-DNA position 1421, T replaced by C.
Protein change: p.Ile474Thr; replaces isoleucine 474 with threonine.
Molecular consequence: missense variant.
Genome position (GRCh38, 1-based): chr22:20,993,991, T>C. VCF-style: chr22-20993991-T-C. GRCh37 (hg19) VCF-style: chr22-21348280-T-C.
Other names: short protein forms I474T.
Identifiers: ClinVar variation 3869314 (VCV003869314.1).

ClinVar aggregate classification (germline): Uncertain significance (1 of 4 stars; one submission).

Conditions:
Cardiovascular phenotype. Identifiers: MedGen CN230736.
Hereditary cancer-predisposing syndrome. Also called: Tumor predisposition; Neoplastic Syndromes, Hereditary; Hereditary Cancer Syndrome; Hereditary neoplastic syndrome. Identifiers: Orphanet 140162, MedGen C0027672, MeSH D009386, MONDO:0015356.

Submission:

Ambry Genetics
Classification: Uncertain significance for Cardiovascular phenotype; Hereditary cancer-predisposing syndrome. Last evaluated: 2025-02-02. Review status: criteria provided, single submitter. Criteria: Ambry Variant Classification Scheme 2023. Collection method: clinical testing. Allele origin: germline.
Comment: The p.I474T variant (also known as c.1421T>C), located in coding exon 13 of the LZTR1 gene, results from a T to C substitution at nucleotide position 1421. The isoleucine at codon 474 is replaced by threonine, an amino acid with similar properties. This amino acid position is conserved. In addition, the in silico prediction for this alteration is inconclusive. Based on the available evidence, the clinical significance of this variant remains unclear.